The following is an entry in ClinVar:

ClinVar aggregate classification (germline): Benign. Review status: criteria provided, multiple submitters, no conflicts (2 of 4 stars). 3 submissions from 3 submitters: Benign (2). 1 of the submissions does not count toward it. Last evaluated 2018-01-13.

Conditions:
Intellectual developmental disorder, X-linked 97. Also called: Intellectual disability, X-linked 97. Identifiers: Orphanet 777, MedGen C2749020, MONDO:0010430, OMIM 300803.

Allele frequency attached by ClinVar (database versions not stated): gnomAD 0.21774 and 0.22093; TOPMed 0.21927; 1000 Genomes Project 30x 0.23143; 1000 Genomes Project 0.23364.

Submissions (3):

Illumina Laboratory Services, Illumina
Classification: Benign for Intellectual developmental disorder, X-linked 97. Last evaluated: 2018-01-13. Review status: criteria provided, single submitter. Criteria: ICSL Variant Classification Criteria 13 December 2019. Collection method: clinical testing. Allele origin: germline.
Comment: This variant was observed in the ICSL laboratory as part of a predisposition screen in an ostensibly healthy population. It had not been previously curated by ICSL or reported in the Human Gene Mutation Database (HGMD: prior to June 1st, 2018), and was therefore a candidate for classification through an automated scoring system. Utilizing variant allele frequency, disease prevalence and penetrance estimates, and inheritance mode, an automated score was calculated to assess if this variant is too frequent to cause the disease. Based on the score and internal cut-off values, a variant classified as benign is not then subjected to further curation. The score for this variant resulted in a classification of benign for this disease.

Breakthrough Genomics
Classification: Benign. Review status: criteria provided, single submitter. Criteria: ACMG Guidelines, 2015. Collection method: not provided. Allele origin: germline. Inheritance: X-linked inheritance. Affected: yes.

Genetic Services Laboratory, University of Chicago
Classification: Likely benign for AllHighlyPenetrant. Review status: no assertion criteria provided. Collection method: clinical testing. Allele origin: germline. Inheritance: X-linked inheritance. Not counted in ClinVar's aggregate classification.
Comment: Likely benign based on allele frequency in 1000 Genomes Project or ESP global frequency and its presence in a patient with a rare or unrelated disease phenotype. NOT Sanger confirmed.

NM_001330574.2(ZNF711):c.-286+5C>T

Gene: ZNF711 (ZFX family zinc finger ZNF711; plus strand). Cytogenetic location: Xq21.1.
Variant type: single nucleotide variant.
Coding change: c.-286+5C>T on transcript NM_001330574.2 (MANE Select); 5 bases into the intron after 286 bases upstream of the start codon, C replaced by T.
Molecular consequence: intron variant.
Genome position (GRCh38, 1-based): chrX:85,246,027, C>T. VCF-style: chrX-85246027-C-T. GRCh37 (hg19) VCF-style: chrX-84501033-C-T.
Other names: c.-27+5C>T (NM_021998.5).
Identifiers: ClinVar variation 130847 (VCV000130847.10), dbSNP rs41311563, ClinGen allele CA156163.
Genomic context (GRCh38, chrX:85,246,027, plus strand): 5'-GCAGATTTTACTTTATGTGAGAAAATCTACAATTTCTTCGAGACACTCATATAAAGGTGA[C>T]TAACAAATTACTTATTGTTTTATCTTATTTAACAGTTAAATAAAATTAAGTTTTTAAAAA-3'